The following is an entry in ClinVar:

NM_000138.5(FBN1):c.2050T>C (p.Cys684Arg)

Gene: FBN1 (fibrillin 1; minus strand). Cytogenetic location: 15q21.1.
Variant type: single nucleotide variant.
Coding change: c.2050T>C on transcript NM_000138.5 (MANE Select); coding-DNA position 2050, T replaced by C.
Protein change: p.Cys684Arg; replaces cysteine 684 with arginine.
Molecular consequence: missense variant.
Genome position (GRCh38, 1-based): chr15:48,503,850, A>G on the plus strand (T>C on the coding strand, the complement: FBN1 is on the minus strand). VCF-style: chr15-48503850-A-G. GRCh37 (hg19) VCF-style: chr15-48796047-A-G.
Other names: short protein forms C684R.
Identifiers: ClinVar variation 519705 (VCV000519705.13), dbSNP rs1555399764, ClinGen allele CA392338320.

ClinVar aggregate classification (germline): Pathogenic/Likely pathogenic. Review status: criteria provided, multiple submitters, no conflicts (2 of 4 stars). 4 submissions from 4 submitters: Pathogenic (2); Likely pathogenic (1). 1 of the submissions does not count toward it. Last evaluated 2025-05-13.

Conditions:
Familial thoracic aortic aneurysm and aortic dissection (TAAD). Also called: Thoracic aortic aneurysms and dissections. Identifiers: Orphanet 91387, MedGen C4707243, MONDO:0019625.
Marfan syndrome (MFS). Also called: Marfan syndrome type 1; Marfan syndrome, classic; Marfan's syndrome; FBN1-Related Marfan Syndrome; MARFAN SYNDROME, TYPE I. Identifiers: Orphanet 284963, Orphanet 558, MedGen C0024796, MONDO:0007947, OMIM 154700.

Submissions (4):

GeneDx
Classification: Pathogenic. Last evaluated: 2025-05-13. Review status: criteria provided, single submitter. Criteria: GeneDx Variant Classification Process June 2021. Collection method: clinical testing. Allele origin: germline. Affected: yes.
Comment: Not observed at significant frequency in large population cohorts (gnomAD); In silico analysis supports that this missense variant has a deleterious effect on protein structure/function; Affects a cysteine residue within a TGF-binding protein domain (aka TB domain or 8-Cysteine domain) and is expected to disrupt disulfide bonding within this domain; other missense substitutions that affect cysteine residues within TGF-binding protein domains have been reported in association with FBN1-related disorders (PMIDs: 8281141, 21175431, 7622614; HGMD); This variant is associated with the following publications: (PMID: 19293843, 8281141, 21175431, 7622614)

Labcorp Genetics (formerly Invitae), Labcorp
Classification: Pathogenic for Marfan syndrome; Familial thoracic aortic aneurysm and aortic dissection. Last evaluated: 2022-03-05. Review status: criteria provided, single submitter. Criteria: Invitae Variant Classification Sherloc (09022015). Collection method: clinical testing. Allele origin: germline.
Comment: This variant affects a cysteine residue in the EGF-like, TGFBP or hybrid motif domains of FBN1. Cysteine residues are believed to be involved in intramolecular disulfide bridges and have been shown to be important for FBN1 protein structure (PMID: 16905551, 19349279). In addition, missense substitutions affecting cysteine residues within these domains are significantly overrepresented among patients with Marfan syndrome (PMID: 16571647, 17701892). For these reasons, this variant has been classified as Pathogenic. Advanced modeling of protein sequence and biophysical properties (such as structural, functional, and spatial information, amino acid conservation, physicochemical variation, residue mobility, and thermodynamic stability) performed at Invitae indicates that this missense variant is expected to disrupt FBN1 protein function. ClinVar contains an entry for this variant (Variation ID: 519705). This missense change has been observed in individual(s) with Marfan syndrome (PMID: 19293843). In at least one individual the variant was observed to be de novo. This variant is not present in population databases (gnomAD no frequency). This sequence change replaces cysteine, which is neutral and slightly polar, with arginine, which is basic and polar, at codon 684 of the FBN1 protein (p.Cys684Arg).

Ambry Genetics
Classification: Likely pathogenic for Familial thoracic aortic aneurysm and aortic dissection. Last evaluated: 2016-03-31. Review status: criteria provided, single submitter. Criteria: Ambry Variant Classification Scheme 2023. Collection method: clinical testing. Allele origin: germline.
Comment: The p.C684R variant (also known as c.2050T>C), located in coding exon 16 of the FBN1 gene, results from a T to C substitution at nucleotide position 2050. The cysteine at codon 684 is replaced by arginine, an amino acid with highly dissimilar properties, and is located in the TGFBP #02 domain. This alteration was reported as de novo in a subject reported to have classical Marfan syndrome (Stheneur C et al. Eur J Hum Genet. 2009;17(9):1121-8). The majority of FBN1 mutations identified to date have involved the substitution or generation of cysteine residues within cbEGF domains (Vollbrandt T et al. J Biol Chem. 2004;279(31):32924-32931). This variant was not reported in population-based cohorts in the Genome Aggregation Database (gnomAD). This amino acid position is highly conserved in available vertebrate species. In addition, this alteration is predicted to be deleterious by in silico analysis. Based on the majority of available evidence to date, this variant is likely to be pathogenic.

Center for Medical Genetics Ghent, University of Ghent
Classification: Likely pathogenic for Marfan syndrome. Last evaluated: 2017-11-07. Review status: no assertion criteria provided. Collection method: clinical testing. Allele origin: germline. Affected: yes. Not counted in ClinVar's aggregate classification.

Literature cited by the submitters: PubMed 16905551 (cited by Labcorp Genetics (formerly Invitae), Labcorp); PubMed 19349279 (cited by Labcorp Genetics (formerly Invitae), Labcorp); PubMed 16571647 (cited by Labcorp Genetics (formerly Invitae), Labcorp); PubMed 17701892 (cited by Labcorp Genetics (formerly Invitae), Labcorp); PubMed 19293843 (cited by Labcorp Genetics (formerly Invitae), Labcorp and Ambry Genetics).